The following is an entry in ClinVar:

ClinVar aggregate classification (germline): Uncertain significance (1 of 4 stars; one submission).

Allele frequency attached by ClinVar (database versions not stated): gnomAD exomes below 0.00001; gnomAD 0.00001; TOPMed 0.00001.
gnomAD v4.1: 4 of 1,614,066 alleles (0.00025%); highest among the groups gnomAD compares: African/African-American, 0.0027%; no homozygotes.

Submission:

Center for Pediatric Genomic Medicine, Children's Mercy Hospital and Clinics
Classification: Uncertain significance. Last evaluated: 2016-11-07. Review status: criteria provided, single submitter. Criteria: ACMG Guidelines, 2015. Collection method: clinical testing. Allele origin: germline.
ClinVar note: Converted during submission from Uncertain Significance to Uncertain significance.

NM_153026.3(PRICKLE1):c.2037A>C (p.Arg679Ser)

Gene: PRICKLE1 (prickle planar cell polarity protein 1; minus strand). Cytogenetic location: 12q12.
Variant type: single nucleotide variant.
Coding change: c.2037A>C on transcript NM_153026.3 (MANE Select); coding-DNA position 2037, A replaced by C.
Protein change: p.Arg679Ser; replaces arginine 679 with serine.
Molecular consequence: missense variant.
Genome position (GRCh38, 1-based): chr12:42,460,268, T>G on the plus strand (A>C on the coding strand, the complement: PRICKLE1 is on the minus strand). VCF-style: chr12-42460268-T-G. GRCh37 (hg19) VCF-style: chr12-42854070-T-G.
Other names: c.2037A>C, p.Arg679Ser (NM_001144881.2, NM_001144882.2, NM_001144883.2); short protein forms R679S.
Identifiers: ClinVar variation 377126 (VCV000377126.3), dbSNP rs1057520141, ClinGen allele CA16603277.